The following is an entry in ClinVar:

NM_001164665.2(KIAA1549):c.5582C>T (p.Ala1861Val)

Gene: KIAA1549 (KIAA1549; minus strand). Cytogenetic location: 7q34.
Variant type: single nucleotide variant.
Coding change: c.5582C>T on transcript NM_001164665.2 (MANE Select); coding-DNA position 5582, C replaced by T.
Protein change: p.Ala1861Val; replaces alanine 1861 with valine.
Molecular consequence: missense variant.
Genome position (GRCh38, 1-based): chr7:138,840,149, G>A on the plus strand (C>T on the coding strand, the complement: KIAA1549 is on the minus strand). VCF-style: chr7-138840149-G-A. GRCh37 (hg19) VCF-style: chr7-138524894-G-A.
Other names: c.5582C>T, p.Ala1861Val (NM_020910.3); c.5582C>T (NM_001164665.1); short protein forms A1861V.
Identifiers: ClinVar variation 1376172 (VCV001376172.7), dbSNP rs534527332, ClinGen allele CA369385563.

ClinVar aggregate classification (germline): Uncertain significance. Review status: criteria provided, multiple submitters, no conflicts (2 of 4 stars). 2 submissions from 2 submitters: Uncertain significance (2). Last evaluated 2025-10-07.

Conditions:
Inborn genetic diseases. Identifiers: MedGen C0950123, MeSH D030342.

Allele frequency attached by ClinVar (database versions not stated): gnomAD exomes 0.00001; gnomAD 0.00002.
gnomAD v4.1: 12 of 1,551,790 alleles (0.00077%); highest among the groups gnomAD compares: African/African-American, 0.0041%; no homozygotes.

Submissions (2):

Ambry Genetics
Classification: Uncertain significance for Inborn genetic diseases. Last evaluated: 2025-10-07. Review status: criteria provided, single submitter. Criteria: Ambry Variant Classification Scheme 2023. Collection method: clinical testing. Allele origin: germline.

Labcorp Genetics (formerly Invitae), Labcorp
Classification: Uncertain significance. Last evaluated: 2024-11-11. Review status: criteria provided, single submitter. Criteria: Invitae Variant Classification Sherloc (09022015). Collection method: clinical testing. Allele origin: germline.
Comment: This sequence change replaces alanine, which is neutral and non-polar, with valine, which is neutral and non-polar, at codon 1861 of the KIAA1549 protein (p.Ala1861Val). The frequency data for this variant in the population databases is considered unreliable, as metrics indicate poor data quality at this position in the gnomAD database. This variant has not been reported in the literature in individuals affected with KIAA1549-related conditions. ClinVar contains an entry for this variant (Variation ID: 1376172). An algorithm developed to predict the effect of missense changes on protein structure and function outputs the following: PolyPhen-2: "Benign". The valine amino acid residue is found in multiple mammalian species, which suggests that this missense change does not adversely affect protein function. In summary, the available evidence is currently insufficient to determine the role of this variant in disease. Therefore, it has been classified as a Variant of Uncertain Significance.